The following is an entry in ClinVar:

ClinVar aggregate classification (germline): Uncertain significance. Review status: criteria provided, multiple submitters, no conflicts (2 of 4 stars). 2 submissions from 2 submitters: Uncertain significance (2). Last evaluated 2024-11-26.

Conditions:
STING-associated vasculopathy with onset in infancy. Also called: Sting-associated vasculopathy, infantile-onset. Identifiers: Orphanet 425120, MedGen C4014722, MONDO:0014405, OMIM 615934.
Inborn genetic diseases. Identifiers: MedGen C0950123, MeSH D030342.

gnomAD v4.1: 33 of 1,613,712 alleles (0.002%); highest among the groups gnomAD compares: Non-Finnish European, 0.0028%; no homozygotes.

Submissions (2):

Ambry Genetics
Classification: Uncertain significance for Inborn genetic diseases. Last evaluated: 2024-11-26. Review status: criteria provided, single submitter. Criteria: Ambry Variant Classification Scheme 2023. Collection method: clinical testing. Allele origin: germline.

Labcorp Genetics (formerly Invitae), Labcorp
Classification: Uncertain significance for STING-associated vasculopathy with onset in infancy. Last evaluated: 2024-05-28. Review status: criteria provided, single submitter. Criteria: Invitae Variant Classification Sherloc (09022015). Collection method: clinical testing. Allele origin: germline.
Comment: This sequence change replaces glycine, which is neutral and non-polar, with arginine, which is basic and polar, at codon 37 of the TMEM173 protein (p.Gly37Arg). The frequency data for this variant in the population databases is considered unreliable, as metrics indicate poor data quality at this position in the gnomAD database. This variant has not been reported in the literature in individuals affected with TMEM173-related conditions. Advanced modeling of protein sequence and biophysical properties (such as structural, functional, and spatial information, amino acid conservation, physicochemical variation, residue mobility, and thermodynamic stability) has been performed at Invitae for this missense variant, however the output from this modeling did not meet the statistical confidence thresholds required to predict the impact of this variant on TMEM173 protein function. In summary, the available evidence is currently insufficient to determine the role of this variant in disease. Therefore, it has been classified as a Variant of Uncertain Significance.

NM_198282.4(STING1):c.109G>A (p.Gly37Arg)

Gene: STING1 (stimulator of interferon response cGAMP interactor 1; minus strand). Cytogenetic location: 5q31.2.
Variant type: single nucleotide variant.
Coding change: c.109G>A on transcript NM_198282.4 (MANE Select); coding-DNA position 109, G replaced by A.
Protein change: p.Gly37Arg; replaces glycine 37 with arginine.
Molecular consequence: missense variant. On other transcripts: intron variant (1).
Genome position (GRCh38, 1-based): chr5:139,481,596, C>T on the plus strand (G>A on the coding strand, the complement: STING1 is on the minus strand). VCF-style: chr5-139481596-C-T. GRCh37 (hg19) VCF-style: chr5-138861181-C-T.
Other names: c.109G>A, p.Gly37Arg (NM_001301738.2); c.-130-254G>A (NM_001367258.1); short protein forms G37R.
Identifiers: ClinVar variation 3450534 (VCV003450534.3).